The following is an entry in ClinVar:

ClinVar aggregate classification (germline): Uncertain significance (1 of 4 stars; one submission).

Submission:

Labcorp Genetics (formerly Invitae), Labcorp
Classification: Uncertain significance. Last evaluated: 2020-12-24. Review status: criteria provided, single submitter. Criteria: Invitae Variant Classification Sherloc (09022015). Collection method: clinical testing. Allele origin: germline.
Comment: In summary, the available evidence is currently insufficient to determine the role of this variant in disease. Therefore, it has been classified as a Variant of Uncertain Significance. Algorithms developed to predict the effect of missense changes on protein structure and function output the following: SIFT: "Tolerated"; PolyPhen-2: "Benign"; Align-GVGD: "Class C0". The isoleucine amino acid residue is found in multiple mammalian species, suggesting that this missense change does not adversely affect protein function. These predictions have not been confirmed by published functional studies and their clinical significance is uncertain. This variant has not been reported in the literature in individuals with MPDZ-related conditions. This variant is not present in population databases (ExAC no frequency). This sequence change replaces leucine with isoleucine at codon 1503 of the MPDZ protein (p.Leu1503Ile). The leucine residue is highly conserved and there is a small physicochemical difference between leucine and isoleucine.

NM_001378778.1(MPDZ):c.4507C>A (p.Leu1503Ile)

Gene: MPDZ (multiple PDZ domain crumbs cell polarity complex component; minus strand). Cytogenetic location: 9p23.
Variant type: single nucleotide variant.
Coding change: c.4507C>A on transcript NM_001378778.1 (MANE Select); coding-DNA position 4507, C replaced by A.
Protein change: p.Leu1503Ile; replaces leucine 1503 with isoleucine.
Molecular consequence: missense variant.
Genome position (GRCh38, 1-based): chr9:13,126,730, G>T on the plus strand (C>A on the coding strand, the complement: MPDZ is on the minus strand). VCF-style: chr9-13126730-G-T. GRCh37 (hg19) VCF-style: chr9-13126729-G-T.
Other names: c.4408C>A, p.Leu1470Ile (NM_001261406.2, NM_001261407.2, NM_001375416.1 and 3 more transcripts); c.4507C>A, p.Leu1503Ile (NM_001330637.2, NM_003829.5); c.4606C>A, p.Leu1536Ile (NM_001375413.1); c.4297C>A, p.Leu1433Ile (NM_001375420.1, NM_001375421.1, NM_001375422.1 and 4 more transcripts); c.4099C>A, p.Leu1367Ile (NM_001375427.1); short protein forms L1503I, L1536I, L1433I, L1367I, L1470I.
Identifiers: ClinVar variation 1465242 (VCV001465242.8), dbSNP rs2131828457, ClinGen allele CA372947154.
Genomic context (GRCh38, chr9:13,126,730, plus strand): 5'-TAAACCTCACCGTGGCTGCTACCCCATGCTCTGTTAAGCTCTTTATGATGACTCCACTGA[G>T]TGTATCTTCTTCGCTGATAGCAATACCCAAACCCCCCTGATCCTAGAAAAGTAAAAACAA-3'
Protein context (NP_001365707.1, residues 1493-1513): LGIAISEEDT[Leu1503Ile]SGVIIKSLTE